The following is an entry in ClinVar:

NM_006361.6(HOXB13):c.198C>A (p.Cys66Ter)

Gene: HOXB13 (homeobox B13; minus strand). Cytogenetic location: 17q21.32.
Variant type: single nucleotide variant.
Coding change: c.198C>A on transcript NM_006361.6 (MANE Select); coding-DNA position 198, C replaced by A.
Protein change: p.Cys66Ter; replaces cysteine 66 with a stop codon.
Molecular consequence: nonsense.
Genome position (GRCh38, 1-based): chr17:48,728,396, G>T on the plus strand (C>A on the coding strand, the complement: HOXB13 is on the minus strand). VCF-style: chr17-48728396-G-T. GRCh37 (hg19) VCF-style: chr17-46805758-G-T.
Other names: short protein forms C66*.
Identifiers: ClinVar variation 483486 (VCV000483486.15), dbSNP rs754885900, ClinGen allele CA8634046.

ClinVar aggregate classification (germline): Uncertain significance. Review status: criteria provided, multiple submitters, no conflicts (2 of 4 stars). 4 submissions from 4 submitters: Uncertain significance (4). Last evaluated 2025-04-23.

Conditions:
Hereditary cancer-predisposing syndrome. Also called: Neoplastic Syndromes, Hereditary; Tumor predisposition; Hereditary Cancer Syndrome; Hereditary neoplastic syndrome. Identifiers: Orphanet 140162, MedGen C0027672, MeSH D009386, MONDO:0015356.
Prostate cancer, hereditary, 9 (HPC9). Identifiers: Orphanet 1331, MedGen C1970250, MONDO:0012597, OMIM 610997.

Allele frequency attached by ClinVar (database versions not stated): gnomAD 0.00001; gnomAD exomes 0.00001 and 0.00002; TOPMed 0.00001; ExAC 0.00003.
gnomAD v4.1: 8 of 1,613,656 alleles (0.0005%); highest among the groups gnomAD compares: East Asian, 0.0022%; no homozygotes.

Submissions (4):

Labcorp Genetics (formerly Invitae), Labcorp
Classification: Uncertain significance. Last evaluated: 2025-04-23. Review status: criteria provided, single submitter. Criteria: Invitae Variant Classification Sherloc (09022015). Collection method: clinical testing. Allele origin: germline.
Comment: This sequence change creates a premature translational stop signal (p.Cys66*) in the HOXB13 gene. It is expected to result in an absent or disrupted protein product. However, the current clinical and genetic evidence is not sufficient to establish whether loss-of-function variants in HOXB13 cause disease. This variant is present in population databases (rs754885900, gnomAD 0.005%). This variant has not been reported in the literature in individuals affected with HOXB13-related conditions. ClinVar contains an entry for this variant (Variation ID: 483486). In summary, the available evidence is currently insufficient to determine the role of this variant in disease. Therefore, it has been classified as a Variant of Uncertain Significance.

Ambry Genetics
Classification: Uncertain significance for Hereditary cancer-predisposing syndrome. Last evaluated: 2025-02-19. Review status: criteria provided, single submitter. Criteria: Ambry Variant Classification Scheme 2023. Collection method: clinical testing. Allele origin: germline.
Comment: The p.C66* variant (also known as c.198C>A), located in coding exon 1 of the HOXB13 gene, results from a C to A substitution at nucleotide position 198. This changes the amino acid from a cysteine to a stop codon within coding exon 1. This alteration is expected to result in loss of function by premature protein truncation or nonsense-mediated mRNA decay. However, loss of function of HOXB13 has not been established as a mechanism of disease. Based on the available evidence, the clinical significance of this alteration remains unclear.

Department of Pathology and Laboratory Medicine, Sinai Health System
Classification: Uncertain significance for Prostate cancer, hereditary, 9. Last evaluated: 2022-07-26. Review status: criteria provided, single submitter. Criteria: ACMG Guidelines, 2015. Collection method: clinical testing. Allele origin: germline. Affected: yes.

GeneDx
Classification: Uncertain significance. Last evaluated: 2019-11-21. Review status: criteria provided, single submitter. Criteria: GeneDx Variant Classification Process June 2021. Collection method: clinical testing. Allele origin: germline. Affected: yes.
Comment: Has not been previously published as pathogenic or benign to our knowledge; Nonsense variant predicted to result in protein truncation or nonsense mediated decay, but clinical significance is uncertain